The following is an entry in ClinVar:

NM_005027.4(PIK3R2):c.292G>A (p.Ala98Thr)

Gene: PIK3R2 (phosphoinositide-3-kinase regulatory subunit 2; plus strand). Cytogenetic location: 19p13.11.
Variant type: single nucleotide variant.
Coding change: c.292G>A on transcript NM_005027.4 (MANE Select); coding-DNA position 292, G replaced by A.
Protein change: p.Ala98Thr; replaces alanine 98 with threonine.
Molecular consequence: missense variant. On other transcripts: non-coding transcript variant (2).
Genome position (GRCh38, 1-based): chr19:18,156,171, G>A. VCF-style: chr19-18156171-G-A. GRCh37 (hg19) VCF-style: chr19-18266981-G-A.
Other names: c.292G>A (NM_005027.2); short protein forms A98T.
Identifiers: ClinVar variation 2058988 (VCV002058988.23), dbSNP rs756267462, ClinGen allele CA306164051.

ClinVar aggregate classification (germline): Uncertain significance. Review status: criteria provided, multiple submitters, no conflicts (2 of 4 stars). 3 submissions from 3 submitters: Uncertain significance (3). Last evaluated 2025-10-18.

Conditions:
Megalencephaly-polymicrogyria-postaxial polydactyly-hydrocephalus syndrome. Also called: MPPH Syndrome; MEG-PMG-MEGACC SYNDROME. Identifiers: Orphanet 83473, MedGen C1863924, MONDO:0019375.
Inborn genetic diseases. Identifiers: MedGen C0950123, MeSH D030342.

Submissions (3):

Ambry Genetics
Classification: Uncertain significance for Inborn genetic diseases. Last evaluated: 2025-10-18. Review status: criteria provided, single submitter. Criteria: Ambry Variant Classification Scheme 2023. Collection method: clinical testing. Allele origin: germline.

Labcorp Genetics (formerly Invitae), Labcorp
Classification: Uncertain significance for Megalencephaly-polymicrogyria-postaxial polydactyly-hydrocephalus syndrome. Last evaluated: 2024-12-18. Review status: criteria provided, single submitter. Criteria: Invitae Variant Classification Sherloc (09022015). Collection method: clinical testing. Allele origin: germline.
Comment: This sequence change replaces alanine, which is neutral and non-polar, with threonine, which is neutral and polar, at codon 98 of the PIK3R2 protein (p.Ala98Thr). The frequency data for this variant in the population databases is considered unreliable, as metrics indicate poor data quality at this position in the gnomAD database. This variant has not been reported in the literature in individuals affected with PIK3R2-related conditions. ClinVar contains an entry for this variant (Variation ID: 2058988). Invitae Evidence Modeling of protein sequence and biophysical properties (such as structural, functional, and spatial information, amino acid conservation, physicochemical variation, residue mobility, and thermodynamic stability) indicates that this missense variant is not expected to disrupt PIK3R2 protein function with a negative predictive value of 80%. In summary, the available evidence is currently insufficient to determine the role of this variant in disease. Therefore, it has been classified as a Variant of Uncertain Significance.

CeGaT Center for Human Genetics Tuebingen
Classification: Uncertain significance. Last evaluated: 2024-05-01. Review status: criteria provided, single submitter. Criteria: CeGaT Center For Human Genetics Tuebingen Variant Classification Criteria Version 2. Collection method: clinical testing. Allele origin: germline. Affected: yes. Observed: 1 variant allele.
Comment: PIK3R2: PM2:Supporting